The following is an entry in ClinVar:

NM_001042492.3(NF1):c.2142T>C (p.Cys714=)

Gene: NF1 (neurofibromin 1; plus strand). Cytogenetic location: 17q11.2.
Variant type: single nucleotide variant.
Coding change: c.2142T>C on transcript NM_001042492.3 (MANE Select); coding-DNA position 2142, T replaced by C.
Protein change: p.Cys714=; no amino-acid change (cysteine 714 retained).
Molecular consequence: synonymous variant.
Genome position (GRCh38, 1-based): chr17:31,226,575, T>C. VCF-style: chr17-31226575-T-C. GRCh37 (hg19) VCF-style: chr17-29553593-T-C.
Other names: c.2142T>C, p.Cys714= (NM_000267.4).
Identifiers: ClinVar variation 237532 (VCV000237532.13), dbSNP rs141382637, ClinGen allele CA10583481.
Genomic context (GRCh38, chr17:31,226,575, plus strand): 5'-TCTGTGGAACCCTGACACTGAAGCTGTTCTGGTTGCCATGTCCTGTTTCCGCCACCTCTG[T>C]GAGGAAGCAGATATCCGGTGTGGGGTGGATGAAGTGTCAGTGCATAACCTCTTGCCCAAC-3'
Protein context (NP_001035957.1, residues 704-724): LVAMSCFRHL[Cys714=]EEADIRCGVD

ClinVar aggregate classification (germline): Benign/Likely benign. Review status: criteria provided, multiple submitters, no conflicts (2 of 4 stars). 5 submissions from 5 submitters: Benign (1); Likely benign (4). Last evaluated 2026-05-18.

Conditions:
Cardiovascular phenotype. Identifiers: MedGen CN230736.
Hereditary cancer-predisposing syndrome. Also called: Hereditary neoplastic syndrome; Neoplastic Syndromes, Hereditary; Hereditary Cancer Syndrome; Tumor predisposition. Identifiers: Orphanet 140162, MedGen C0027672, MeSH D009386, MONDO:0015356.
Neurofibromatosis, type 1 (NF1). Also called: NEUROFIBROMATOSIS, TYPE I, SOMATIC; Neurofibromatosis, type I; VON RECKLINGHAUSEN DISEASE; Peripheral type neurofibromatosis. Identifiers: Orphanet 636, MedGen C0027831, MONDO:0018975, OMIM 162200. Disease mechanism: loss of function.

Allele frequency attached by ClinVar (database versions not stated): TOPMed below 0.00001; ESP Exome Variant Server 0.00008; gnomAD exomes below 0.00001.
gnomAD v4.1: 1 of 1,613,866 alleles (0.000062%); highest among the groups gnomAD compares: African/African-American, 0.0013%; no homozygotes.

Submissions (5):

Myriad Genetics, Inc.
Classification: Benign for Neurofibromatosis, type 1. Last evaluated: 2026-05-18. Review status: criteria provided, single submitter. Criteria: Myriad Autosomal Dominant, Autosomal Recessive and X-Linked Classification Criteria (2023). Collection method: clinical testing. Allele origin: unknown.
Comment: This variant is considered benign. This variant is a silent/synonymous amino acid change and it is not expected to impact splicing.

Labcorp Genetics (formerly Invitae), Labcorp
Classification: Likely benign for Neurofibromatosis, type 1. Last evaluated: 2025-05-28. Review status: criteria provided, single submitter. Criteria: Invitae Variant Classification Sherloc (09022015). Collection method: clinical testing. Allele origin: germline.

Genome-Nilou Lab
Classification: Likely benign for Neurofibromatosis, type 1. Last evaluated: 2022-03-15. Review status: criteria provided, single submitter. Criteria: ACMG Guidelines, 2015. Collection method: clinical testing. Allele origin: germline. Affected: no.

GeneDx
Classification: Likely benign. Last evaluated: 2018-06-11. Review status: criteria provided, single submitter. Criteria: GeneDx Variant Classification (06012015). Collection method: clinical testing. Allele origin: germline. Affected: yes.
Comment: This variant is considered likely benign or benign based on one or more of the following criteria: it is a conservative change, it occurs at a poorly conserved position in the protein, it is predicted to be benign by multiple in silico algorithms, and/or has population frequency not consistent with disease.

Ambry Genetics
Classification: Likely benign for Cardiovascular phenotype; Hereditary cancer-predisposing syndrome. Last evaluated: 2016-11-18. Review status: criteria provided, single submitter. Criteria: Ambry Variant Classification Scheme 2023. Collection method: clinical testing. Allele origin: germline.